The following is an entry in ClinVar:

NM_002161.6(IARS1):c.576C>T (p.Phe192=)

Gene: IARS1 (isoleucyl-tRNA synthetase 1; minus strand). Cytogenetic location: 9q22.31.
Variant type: single nucleotide variant.
Coding change: c.576C>T on transcript NM_002161.6 (MANE Select); coding-DNA position 576, C replaced by T.
Protein change: p.Phe192=; no amino-acid change (phenylalanine 192 retained).
Molecular consequence: synonymous variant. On other transcripts: non-coding transcript variant (1).
Genome position (GRCh38, 1-based): chr9:92,285,743, G>A on the plus strand (C>T on the coding strand, the complement: IARS1 is on the minus strand). VCF-style: chr9-92285743-G-A. GRCh37 (hg19) VCF-style: chr9-95048025-G-A.
Other names: c.576C>T, p.Phe192= (NM_001374299.1, NM_001374300.1, NM_001374301.1 and 15 more transcripts); c.639C>T, p.Phe213= (NM_001378569.1); c.453C>T, p.Phe151= (NM_001378583.1); c.576C>T (NM_002161.5).
Identifiers: ClinVar variation 2176298 (VCV002176298.29), dbSNP rs534075085, ClinGen allele CA5122932.
Genomic context (GRCh38, chr9:92,285,743, plus strand): 5'-AAAACTCAATGCTGAATAATGTCTCTACATTTCACGTACCTTATAATTCTGGTGTGACTC[G>A]AAGTTGGAAAGTGGAGTGTTACATGCCGTAGAGAAGGGCATGACTTTCACACCTCTATAA-3'
Protein context (NP_002152.2, residues 182-202): STACNTPLSN[Phe192=]ESHQNYKDVQ

ClinVar aggregate classification (germline): Benign/Likely benign. Review status: criteria provided, multiple submitters, no conflicts (2 of 4 stars). 3 submissions from 3 submitters: Benign (1); Likely benign (1). 1 of the submissions does not count toward it. Last evaluated 2024-11-15.

Conditions:
IARS1-related disorder. Also called: IARS1-related condition.

Allele frequency attached by ClinVar (database versions not stated): TOPMed 0.00004; gnomAD 0.00006; gnomAD exomes 0.00014; 1000 Genomes Project 30x 0.00031; ExAC 0.00039; 1000 Genomes Project 0.00040.
gnomAD v4.1: 211 of 1,606,962 alleles (0.013%); highest among the groups gnomAD compares: South Asian, 0.2%; 1 homozygote.

Submissions (3):

Labcorp Genetics (formerly Invitae), Labcorp
Classification: Benign. Last evaluated: 2024-11-15. Review status: criteria provided, single submitter. Criteria: Invitae Variant Classification Sherloc (09022015). Collection method: clinical testing. Allele origin: germline.

CeGaT Center for Human Genetics Tuebingen
Classification: Likely benign. Last evaluated: 2022-04-01. Review status: criteria provided, single submitter. Criteria: CeGaT Center For Human Genetics Tuebingen Variant Classification Criteria Version 2. Collection method: clinical testing. Allele origin: germline. Affected: yes. Observed: 1 variant allele.
Comment: IARS1: BP4, BP7

PreventionGenetics, part of Exact Sciences
Classification: Likely benign for IARS1-related condition. Last evaluated: 2019-06-06. Review status: no assertion criteria provided. Collection method: clinical testing. Allele origin: germline. Not counted in ClinVar's aggregate classification.
Comment: This variant is classified as likely benign based on ACMG/AMP sequence variant interpretation guidelines (Richards et al. 2015 PMID: 25741868, with internal and published modifications).